The following is an entry in ClinVar:

NM_005787.6(ALG3):c.1037A>G (p.Asn346Ser)

Gene: ALG3 (ALG3 alpha-1,3- mannosyltransferase; minus strand). Cytogenetic location: 3q27.1.
Variant type: single nucleotide variant.
Coding change: c.1037A>G on transcript NM_005787.6 (MANE Select); coding-DNA position 1037, A replaced by G.
Protein change: p.Asn346Ser; replaces asparagine 346 with serine.
Molecular consequence: missense variant. On other transcripts: non-coding transcript variant (2).
Genome position (GRCh38, 1-based): chr3:184,242,930, T>C on the plus strand (A>G on the coding strand, the complement: ALG3 is on the minus strand). VCF-style: chr3-184242930-T-C. GRCh37 (hg19) VCF-style: chr3-183960718-T-C.
Other names: c.893A>G, p.Asn298Ser (NM_001006941.2); short protein forms N346S, N298S.
Identifiers: ClinVar variation 617513 (VCV000617513.3), dbSNP rs1560162116, ClinGen allele CA355418011.

ClinVar aggregate classification (germline): Pathogenic (1 of 4 stars; one submission).

Conditions:
ALG3-congenital disorder of glycosylation. Also called: ALG3-CDG; CARBOHYDRATE-DEFICIENT GLYCOPROTEIN SYNDROME, TYPE IV; CDGS, TYPE IV; CONGENITAL DISORDER OF GLYCOSYLATION, TYPE Id; CDG Id. Identifiers: Orphanet 79321, MedGen C1832736, MONDO:0010998, OMIM 601110.

Submission:

Biochemistry and Genetic Laboratory, APHP Bichat Claude Bernard Hospital
Classification: Pathogenic for ALG3-congenital disorder of glycosylation. Last evaluated: 2015-12-03. Review status: criteria provided, single submitter. Criteria: ACMG Guidelines, 2015. Collection method: clinical testing. Allele origin: paternal. Inheritance: Autosomal recessive inheritance. Affected: yes. Observed: 1 compound heterozygote.
Comment: Transferinn profile indicate CDG type I and LLO profile indicate Man5GlcNAc2-PP-dolichol accumulation in favor of ALG3-CDG diagnosis. In summary, the two ALG3 variant meet ACMG criteria to be classified as pathogenic based upon absence from controls, computational and functional evidence.